The following is an entry in ClinVar:

NM_000466.3(PEX1):c.1900+1G>A

Gene: PEX1 (peroxisomal biogenesis factor 1; minus strand). Cytogenetic location: 7q21.2.
Variant type: single nucleotide variant.
Coding change: c.1900+1G>A on transcript NM_000466.3 (MANE Select); the canonical splice donor site of the intron after coding-DNA position 1900, G replaced by A.
Molecular consequence: splice donor variant.
Genome position (GRCh38, 1-based): chr7:92,506,247, C>T on the plus strand (G>A on the coding strand, the complement: PEX1 is on the minus strand). VCF-style: chr7-92506247-C-T. GRCh37 (hg19) VCF-style: chr7-92135561-C-T.
Other names: c.1900+1G>A (NM_001282677.2); c.1276+1G>A (NM_001282678.2).
Identifiers: ClinVar variation 835627 (VCV000835627.11), dbSNP rs770447891, ClinGen allele CA4341271.

ClinVar aggregate classification (germline): Pathogenic/Likely pathogenic. Review status: criteria provided, multiple submitters, no conflicts (2 of 4 stars). 2 submissions from 2 submitters: Pathogenic (1); Likely pathogenic (1). Last evaluated 2024-12-23.

Conditions:
Zellweger spectrum disorders (ZS). Also called: Zellweger Spectrum Disorder (ZSD); Zellweger syndrome; Zellweger Spectrum Disorder; Zellweger Spectrum. Identifiers: Orphanet 912, MedGen C0043459, MONDO:0019609.

Allele frequency attached by ClinVar (database versions not stated): ExAC 0.00001.

Submissions (2):

Natera, Inc.
Classification: Pathogenic for Zellweger syndrome. Last evaluated: 2024-12-23. Review status: criteria provided, single submitter. Criteria: Natera Variant Classification Schema (03/2026). Collection method: clinical testing. Allele origin: germline.
Comment: The c.1900+1G>A variant in PEX1 is a canonical splice donor site variant predicted to affect pre-mRNA splicing, which may result in an abnormal transcript and altered protein product. This variant is expected to result in nonsense mediated decay, truncation, or a dysfunctional protein product. This variant is rare in the general population with a frequency below the threshold expected for the associated phenotype(s). Another variant at this same site results in an alteration predicted to cause a similar molecular effect has been observed in individual(s) with the associated phenotype. Given the available evidence, this variant is classified as Pathogenic.

Labcorp Genetics (formerly Invitae), Labcorp
Classification: Likely pathogenic for Zellweger spectrum disorders. Last evaluated: 2024-01-08. Review status: criteria provided, single submitter. Criteria: Invitae Variant Classification Sherloc (09022015). Collection method: clinical testing. Allele origin: germline.
Comment: This sequence change affects a donor splice site in intron 11 of the PEX1 gene. It is expected to disrupt RNA splicing. Variants that disrupt the donor or acceptor splice site typically lead to a loss of protein function (PMID: 16199547), and loss-of-function variants in PEX1 are known to be pathogenic (PMID: 21031596, 26387595, 31831025). This variant is not present in population databases (gnomAD no frequency). This variant has not been reported in the literature in individuals affected with PEX1-related conditions. ClinVar contains an entry for this variant (Variation ID: 835627). Algorithms developed to predict the effect of sequence changes on RNA splicing suggest that this variant may disrupt the consensus splice site. In summary, the currently available evidence indicates that the variant is pathogenic, but additional data are needed to prove that conclusively. Therefore, this variant has been classified as Likely Pathogenic.

Literature cited by the submitters: PubMed 16199547 (cited by Labcorp Genetics (formerly Invitae), Labcorp); PubMed 21031596 (cited by Labcorp Genetics (formerly Invitae), Labcorp); PubMed 26387595 (cited by Labcorp Genetics (formerly Invitae), Labcorp); PubMed 31831025 (cited by Labcorp Genetics (formerly Invitae), Labcorp).